The following is an entry in ClinVar:

NM_000256.3(MYBPC3):c.1194del (p.Asn399fs)

Gene: MYBPC3 (myosin binding protein C3; minus strand). Cytogenetic location: 11p11.2.
Variant type: Deletion.
Coding change: c.1194del on transcript NM_000256.3 (MANE Select); coding-DNA position 1194, one base deleted (G; older notation c.1194delG).
Protein change: p.Asn399fs; shifts the reading frame from asparagine 399.
Molecular consequence: frameshift variant.
Genome position (GRCh38, 1-based): chr11:47,343,521, C deleted on the plus strand (G on the coding strand, the reverse complement: MYBPC3 is on the minus strand). VCF-style (leftmost placement, unchanged base first): chr11-47343520-TC-T. GRCh37 (hg19) VCF-style: chr11-47365071-TC-T.
Other names: short protein forms N399fs.
Identifiers: ClinVar variation 1452287 (VCV001452287.6), dbSNP rs2142862199, ClinGen allele CA2573147073.

ClinVar aggregate classification (germline): Pathogenic (1 of 4 stars; one submission).

Conditions:
Hypertrophic cardiomyopathy. Also called: HYPERTROPHIC MYOCARDIOPATHY. Identifiers: Orphanet 217569, MedGen C0007194, MeSH D002312, MONDO:0005045, HP:0001639.

Submission:

Labcorp Genetics (formerly Invitae), Labcorp
Classification: Pathogenic for Hypertrophic cardiomyopathy. Last evaluated: 2021-10-11. Review status: criteria provided, single submitter. Criteria: Invitae Variant Classification Sherloc (09022015). Collection method: clinical testing. Allele origin: germline.
Comment: This variant has not been reported in the literature in individuals affected with MYBPC3-related conditions. For these reasons, this variant has been classified as Pathogenic. This sequence change creates a premature translational stop signal (p.Asn399Metfs*7) in the MYBPC3 gene. It is expected to result in an absent or disrupted protein product. Loss-of-function variants in MYBPC3 are known to be pathogenic (PMID: 19574547). This variant is not present in population databases (ExAC no frequency).

Literature cited by the submitters: PubMed 19574547.